The following is an entry in ClinVar:

ClinVar aggregate classification (germline): Uncertain significance (1 of 4 stars; one submission).

Conditions:
Hereditary nonpolyposis colorectal neoplasms. Identifiers: MedGen C0009405, MeSH D003123.

Submission:

Labcorp Genetics (formerly Invitae), Labcorp
Classification: Uncertain significance for Hereditary nonpolyposis colorectal neoplasms. Last evaluated: 2021-03-29. Review status: criteria provided, single submitter. Criteria: Invitae Variant Classification Sherloc (09022015). Collection method: clinical testing. Allele origin: germline.
Comment: This variant, c.640_642del, results in the deletion of 1 amino acid(s) of the MSH6 protein (p.Tyr214del), but otherwise preserves the integrity of the reading frame. This variant is not present in population databases (ExAC no frequency). In summary, the available evidence is currently insufficient to determine the role of this variant in disease. Therefore, it has been classified as a Variant of Uncertain Significance. Algorithms developed to predict the effect of sequence changes on RNA splicing suggest that this variant may create or strengthen a splice site, but this prediction has not been confirmed by published transcriptional studies. This variant has not been reported in the literature in individuals with MSH6-related conditions.

NM_000179.3(MSH6):c.640_642del (p.Tyr214del)

Gene: MSH6 (mutS homolog 6; plus strand). Cytogenetic location: 2p16.3.
Variant type: Deletion.
Coding change: c.640_642del on transcript NM_000179.3 (MANE Select); coding-DNA positions 640 to 642, 3 bases deleted (TAC; older notation c.640_642delTAC).
Protein change: p.Tyr214del; deletes tyrosine 214.
Molecular consequence: inframe deletion. On other transcripts: 5 prime UTR variant (2).
Genome position (GRCh38, 1-based): chr2:47,798,623-47,798,625, TAC deleted. VCF-style (leftmost placement, unchanged base first): chr2-47798622-TTAC-T. GRCh37 (hg19) VCF-style: chr2-48025761-TTAC-T.
Other names: c.250_252del, p.Tyr84del (NM_001281492.2); c.-267_-265del (NM_001281493.2, NM_001281494.2); short protein forms Y214del, Y84del.
Identifiers: ClinVar variation 1477544 (VCV001477544.8), dbSNP rs2104287851, ClinGen allele CA2573134903.